The following is an entry in ClinVar:

NM_020207.7(ERCC6L2):c.539C>T (p.Pro180Leu)

Gene: ERCC6L2 (ERCC excision repair 6 like 2; plus strand). Cytogenetic location: 9q22.32.
Variant type: single nucleotide variant.
Coding change: c.539C>T on transcript NM_020207.7 (MANE Select); coding-DNA position 539, C replaced by T.
Protein change: p.Pro180Leu; replaces proline 180 with leucine.
Molecular consequence: missense variant. On other transcripts: non-coding transcript variant (1).
Genome position (GRCh38, 1-based): chr9:95,897,916, C>T. VCF-style: chr9-95897916-C-T. GRCh37 (hg19) VCF-style: chr9-98660198-C-T.
Other names: c.539C>T, p.Pro180Leu (NM_001010895.4, NM_001375291.1, NM_001375292.1 and 2 more transcripts); short protein forms P180L.
Identifiers: ClinVar variation 4019240 (VCV004019240.1).

ClinVar aggregate classification (germline): Uncertain significance (1 of 4 stars; one submission).

Conditions:
Inborn genetic diseases. Identifiers: MedGen C0950123, MeSH D030342.

gnomAD v4.1: 3 of 1,612,194 alleles (0.00019%); highest among the groups gnomAD compares: East Asian, 0.0045%; no homozygotes.

Submission:

Ambry Genetics
Classification: Uncertain significance for Inborn genetic diseases. Last evaluated: 2025-03-15. Review status: criteria provided, single submitter. Criteria: Ambry Variant Classification Scheme 2023. Collection method: clinical testing. Allele origin: germline.
Comment: The p.P180L variant (also known as c.539C>T), located in coding exon 3 of the ERCC6L2 gene, results from a C to T substitution at nucleotide position 539. The proline at codon 180 is replaced by leucine, an amino acid with similar properties. This amino acid position is conserved. In addition, the in silico prediction for this alteration is inconclusive. Based on the available evidence, the clinical significance of this variant remains unclear.